The following is an entry in ClinVar:

NM_001793.6(CDH3):c.799G>A (p.Asp267Asn)

Gene: CDH3 (cadherin 3; plus strand). Cytogenetic location: 16q22.1.
Variant type: single nucleotide variant.
Coding change: c.799G>A on transcript NM_001793.6 (MANE Select); coding-DNA position 799, G replaced by A.
Protein change: p.Asp267Asn; replaces aspartic acid 267 with asparagine.
Molecular consequence: missense variant.
Genome position (GRCh38, 1-based): chr16:68,679,906, G>A. VCF-style: chr16-68679906-G-A. GRCh37 (hg19) VCF-style: chr16-68713809-G-A.
Other names: c.799G>A, p.Asp267Asn (NM_001317195.3); c.634G>A, p.Asp212Asn (NM_001317196.2); c.799G>A (NM_001793.4); short protein forms D212N, D267N.
Identifiers: ClinVar variation 1052490 (VCV001052490.11), dbSNP rs758751065, ClinGen allele CA8129143.

ClinVar aggregate classification (germline): Uncertain significance. Review status: criteria provided, multiple submitters, no conflicts (2 of 4 stars). 2 submissions from 2 submitters: Uncertain significance (2). Last evaluated 2025-02-22.

Conditions:
Inborn genetic diseases. Identifiers: MedGen C0950123, MeSH D030342.

Allele frequency attached by ClinVar (database versions not stated): gnomAD 0.00001; gnomAD exomes 0.00001 and 0.00003; TOPMed 0.00001; ExAC 0.00003.

Submissions (2):

Ambry Genetics
Classification: Uncertain significance for Inborn genetic diseases. Last evaluated: 2025-02-22. Review status: criteria provided, single submitter. Criteria: Ambry Variant Classification Scheme 2023. Collection method: clinical testing. Allele origin: germline.

Labcorp Genetics (formerly Invitae), Labcorp
Classification: Uncertain significance. Last evaluated: 2022-08-10. Review status: criteria provided, single submitter. Criteria: Invitae Variant Classification Sherloc (09022015). Collection method: clinical testing. Allele origin: germline.
Comment: In summary, the available evidence is currently insufficient to determine the role of this variant in disease. Therefore, it has been classified as a Variant of Uncertain Significance. Algorithms developed to predict the effect of missense changes on protein structure and function are either unavailable or do not agree on the potential impact of this missense change (SIFT: "Not Available"; PolyPhen-2: "Benign"; Align-GVGD: "Not Available"). ClinVar contains an entry for this variant (Variation ID: 1052490). This variant has not been reported in the literature in individuals affected with CDH3-related conditions. This variant is present in population databases (rs758751065, gnomAD 0.004%). This sequence change replaces aspartic acid, which is acidic and polar, with asparagine, which is neutral and polar, at codon 267 of the CDH3 protein (p.Asp267Asn).